The following is an entry in ClinVar:

ClinVar aggregate classification (germline): Pathogenic. Review status: criteria provided, multiple submitters, no conflicts (2 of 4 stars). 4 submissions from 4 submitters: Pathogenic (3). 1 of the submissions does not count toward it. Last evaluated 2024-08-07.

Conditions:
Tuberous sclerosis 2 (TSC2). Identifiers: Orphanet 805, MedGen C1860707, MONDO:0013199, OMIM 613254.
Tuberous sclerosis syndrome (TSC). Also called: Tuberous Sclerosis Complex; Tuberous sclerosis. Identifiers: Orphanet 805, MedGen C0041341, MONDO:0001734.

Submissions (4):

Labcorp Genetics (formerly Invitae), Labcorp
Classification: Pathogenic for Tuberous sclerosis 2. Last evaluated: 2024-08-07. Review status: criteria provided, single submitter. Criteria: Invitae Variant Classification Sherloc (09022015). Collection method: clinical testing. Allele origin: germline.
Comment: This sequence change creates a premature translational stop signal (p.Gln166*) in the TSC2 gene. It is expected to result in an absent or disrupted protein product. Loss-of-function variants in TSC2 are known to be pathogenic (PMID: 10205261, 17304050). This variant is not present in population databases (gnomAD no frequency). This premature translational stop signal has been observed in individual(s) with tuberous sclerosis complex (PMID: 10533067). ClinVar contains an entry for this variant (Variation ID: 49819). Algorithms developed to predict the effect of sequence changes on RNA splicing suggest that this variant may disrupt the consensus splice site. For these reasons, this variant has been classified as Pathogenic.

GeneDx
Classification: Pathogenic. Last evaluated: 2016-09-27. Review status: criteria provided, single submitter. Criteria: GeneDx Variant Classification (06012015). Collection method: clinical testing. Allele origin: germline. Affected: yes.
Comment: The Q166X nonsense variant in the TSC2 gene has been reported previously in association with tuberous sclerosis complex (Niida et al., 1999; TSC2 LOVD). It was not observed in approximately 6,500 individuals of European and African American ancestry in the NHLBI Exome Sequencing Project, indicating it is not a common benign variant in these populations. This pathogenic variant is predicted to cause loss of normal protein function either through protein truncation or nonsense-mediated mRNA decay.

Juno Genomics, Hangzhou Juno Genomics, Inc
Classification: Pathogenic for Tuberous sclerosis 2. Review status: criteria provided, single submitter. Criteria: ACMG Guidelines, 2015. Collection method: clinical testing. Allele origin: germline. Affected: yes.
Comment: Absent from controls (or at extremely low frequency if recessive) in Genome Aggregation Database, Exome Sequencing Project, 1000 Genomes Project, or Exome Aggregation Consortium.;Null variant in a gene where loss of function (LOF) is a known mechanism of disease.;The prevalence of the variant in affected individuals is significantly increased compared to the prevalence in controls.;Patient's phenotype or family history is highly specific for a disease with a single genetic etiology.;Assumed de novo, but without confirmation of paternity and maternity.

Tuberous sclerosis database (TSC2)
No classification provided. Condition: TSC. Review status: no classification provided. Criteria: Tuberous Sclerosis Database Assertion Criteria 2015. Collection method: curation. Allele origin: germline. Affected: yes. Not counted in ClinVar's aggregate classification.

Literature cited by the submitters: PubMed 10205261 (cited by Labcorp Genetics (formerly Invitae), Labcorp); PubMed 17304050 (cited by Labcorp Genetics (formerly Invitae), Labcorp); PubMed 10533067 (cited by Labcorp Genetics (formerly Invitae), Labcorp).

NM_000548.5(TSC2):c.496C>T (p.Gln166Ter)

Gene: TSC2 (TSC complex subunit 2; plus strand). Cytogenetic location: 16p13.3.
Variant type: single nucleotide variant.
Coding change: c.496C>T on transcript NM_000548.5 (MANE Select); coding-DNA position 496, C replaced by T.
Protein change: p.Gln166Ter; replaces glutamine 166 with a stop codon.
Molecular consequence: nonsense. On other transcripts: intron variant (1).
Genome position (GRCh38, 1-based): chr16:2,055,416, C>T. VCF-style: chr16-2055416-C-T. GRCh37 (hg19) VCF-style: chr16-2105417-C-T.
Other names: c.496C>T, p.Gln166Ter (NM_001077183.3, NM_001114382.3, NM_001363528.2 and 3 more transcripts); c.385C>T, p.Gln129Ter (NM_001318827.2); c.349C>T, p.Gln117Ter (NM_001318829.2); c.529C>T, p.Gln177Ter (NM_001318832.2); c.-1-780C>T (NM_001318831.2); short protein forms Q166*, Q177*, Q117*, Q129*.
Identifiers: ClinVar variation 49819 (VCV000049819.9), dbSNP rs45517111, ClinGen allele CA021413.